The following is an entry in ClinVar:

NM_017491.5(WDR1):c.1762C>A (p.His588Asn)

Gene: WDR1 (WD repeat domain 1; minus strand). Cytogenetic location: 4p16.1.
Variant type: single nucleotide variant.
Coding change: c.1762C>A on transcript NM_017491.5 (MANE Select); coding-DNA position 1762, C replaced by A.
Protein change: p.His588Asn; replaces histidine 588 with asparagine.
Molecular consequence: missense variant.
Genome position (GRCh38, 1-based): chr4:10,075,437, G>T on the plus strand (C>A on the coding strand, the complement: WDR1 is on the minus strand). VCF-style: chr4-10075437-G-T. GRCh37 (hg19) VCF-style: chr4-10077061-G-T.
Other names: c.1342C>A, p.His448Asn (NM_005112.5); short protein forms H588N, H448N.
Identifiers: ClinVar variation 1994868 (VCV001994868.4), dbSNP rs1764765191, ClinGen allele CA356352377.
Genomic context (GRCh38, chr4:10,075,437, plus strand): 5'-CTCAGTAGGTGATTGTCCACTCCTTGACAGAGGCATCATGGGAGGTCGTGACCAGCGTGT[G>T]CTCGTCCAGCCAGGCCAGGCTGCTGACATGGTGCAGCCGGTGTGCATCTGGGAAGAAAGG-3'
Protein context (NP_059830.1, residues 578-598): HVSSLAWLDE[His588Asn]TLVTTSHDAS

ClinVar aggregate classification (germline): Uncertain significance (1 of 4 stars; one submission).

gnomAD v4.1: 1 of 1,614,038 alleles (0.000062%); no homozygotes.

Submission:

Labcorp Genetics (formerly Invitae), Labcorp
Classification: Uncertain significance. Last evaluated: 2022-06-04. Review status: criteria provided, single submitter. Criteria: Invitae Variant Classification Sherloc (09022015). Collection method: clinical testing. Allele origin: germline.
Comment: In summary, the available evidence is currently insufficient to determine the role of this variant in disease. Therefore, it has been classified as a Variant of Uncertain Significance. Algorithms developed to predict the effect of missense changes on protein structure and function (SIFT, PolyPhen-2, Align-GVGD) all suggest that this variant is likely to be tolerated. This variant has not been reported in the literature in individuals affected with WDR1-related conditions. This variant is not present in population databases (gnomAD no frequency). This sequence change replaces histidine, which is basic and polar, with asparagine, which is neutral and polar, at codon 588 of the WDR1 protein (p.His588Asn).